The following is an entry in ClinVar:

NM_001851.6(COL9A1):c.1312A>G (p.Ile438Val)

Gene: COL9A1 (collagen type IX alpha 1 chain; minus strand). Cytogenetic location: 6q13.
Variant type: single nucleotide variant.
Coding change: c.1312A>G on transcript NM_001851.6 (MANE Select); coding-DNA position 1312, A replaced by G.
Protein change: p.Ile438Val; replaces isoleucine 438 with valine.
Molecular consequence: missense variant. On other transcripts: non-coding transcript variant (1).
Genome position (GRCh38, 1-based): chr6:70,266,746, T>C on the plus strand (A>G on the coding strand, the complement: COL9A1 is on the minus strand). VCF-style: chr6-70266746-T-C. GRCh37 (hg19) VCF-style: chr6-70976449-T-C.
Other names: c.583A>G, p.Ile195Val (NM_001377289.1, NM_001377290.1, NM_078485.4); short protein forms I438V, I195V.
Identifiers: ClinVar variation 1420565 (VCV001420565.3), dbSNP rs138518556, ClinGen allele CA3882287.

ClinVar aggregate classification (germline): Uncertain significance (1 of 4 stars; one submission).

Allele frequency attached by ClinVar (database versions not stated): gnomAD exomes below 0.00001; ExAC 0.00001; TOPMed 0.00001; ESP Exome Variant Server 0.00008.
gnomAD v4.1: 1 of 1,613,530 alleles (0.000062%); highest among the groups gnomAD compares: African/African-American, 0.0013%; no homozygotes.

Submission:

Labcorp Genetics (formerly Invitae), Labcorp
Classification: Uncertain significance. Last evaluated: 2022-06-14. Review status: criteria provided, single submitter. Criteria: Invitae Variant Classification Sherloc (09022015). Collection method: clinical testing. Allele origin: germline.
Comment: This sequence change replaces isoleucine, which is neutral and non-polar, with valine, which is neutral and non-polar, at codon 438 of the COL9A1 protein (p.Ile438Val). This variant is present in population databases (rs138518556, gnomAD 0.007%). This variant has not been reported in the literature in individuals affected with COL9A1-related conditions. Advanced modeling of protein sequence and biophysical properties (such as structural, functional, and spatial information, amino acid conservation, physicochemical variation, residue mobility, and thermodynamic stability) performed at Invitae indicates that this missense variant is not expected to disrupt COL9A1 protein function. In summary, the available evidence is currently insufficient to determine the role of this variant in disease. Therefore, it has been classified as a Variant of Uncertain Significance.